The following is an entry in ClinVar:

ClinVar aggregate classification (germline): Uncertain significance (1 of 4 stars; one submission).

Submission:

GeneDx
Classification: Uncertain significance. Last evaluated: 2024-06-14. Review status: criteria provided, single submitter. Criteria: GeneDx Variant Classification Process June 2021. Collection method: clinical testing. Allele origin: germline. Affected: yes.
Comment: Not observed at significant frequency in large population cohorts (gnomAD); Missense variants in this gene are a common cause of disease and they are underrepresented in the general population; In silico analysis indicates that this missense variant does not alter protein structure/function; Has not been previously published as pathogenic or benign to our knowledge

NM_004333.6(BRAF):c.700A>T (p.Thr234Ser)

Gene: BRAF (B-Raf proto-oncogene, serine/threonine kinase; minus strand). Cytogenetic location: 7q34.
Variant type: single nucleotide variant.
Coding change: c.700A>T on transcript NM_004333.6 (MANE Select); coding-DNA position 700, A replaced by T.
Protein change: p.Thr234Ser; replaces threonine 234 with serine.
Molecular consequence: missense variant.
Genome position (GRCh38, 1-based): chr7:140,807,971, T>A on the plus strand (A>T on the coding strand, the complement: BRAF is on the minus strand). VCF-style: chr7-140807971-T-A. GRCh37 (hg19) VCF-style: chr7-140507771-T-A.
Other names: c.700A>T, p.Thr234Ser (NM_001354609.2, NM_001374244.1, NM_001374258.1 and 4 more transcripts); c.709A>T, p.Thr237Ser (NM_001378467.1); c.598A>T, p.Thr200Ser (NM_001378470.1); c.544A>T, p.Thr182Ser (NM_001378472.1, NM_001378473.1); c.436A>T, p.Thr146Ser (NM_001378475.1); short protein forms T146S, T182S, T200S, T234S, T237S.
Identifiers: ClinVar variation 3390525 (VCV003390525.1).
Genomic context (GRCh38, chr7:140,807,971, plus strand): 5'-AAAATCTAAACATTTTTGACATTTCAAAAAAAAATGTAAAGATACATACAAAGTTGTGTG[T>A]TGTAAGTGGAACATTCTCCAACACTTCCACATGCAATTCTTCTCCAGTAAGCCAGGAAAT-3'
Protein context (NP_004324.2, residues 224-244): VEVLENVPLT[Thr234Ser]HNFVRKTFFT